The following is an entry in ClinVar:

NM_138636.5(TLR8):c.2253C>A (p.Ile751=)

Genes: TLR8 (toll like receptor 8; plus strand), TLR8-AS1 (TLR8 antisense RNA 1; minus strand). Cytogenetic location: Xp22.2.
Variant type: single nucleotide variant.
Coding change: c.2253C>A on transcript NM_138636.5 (MANE Select); coding-DNA position 2253, C replaced by A.
Protein change: p.Ile751=; no amino-acid change (isoleucine 751 retained).
Molecular consequence: synonymous variant.
Genome position (GRCh38, 1-based): chrX:12,921,293, C>A. VCF-style: chrX-12921293-C-A. GRCh37 (hg19) VCF-style: chrX-12939412-C-A.
Other names: p.Ile751=; c.2307C>A, p.Ile769= (NM_016610.4).
Identifiers: ClinVar variation 2688012 (VCV002688012.3), dbSNP rs3747414, ClinGen allele CA10350354.
Genomic context (GRCh38, chrX:12,921,293, plus strand): 5'-TCTTTCTGAAGTCAGTAGTCTGAAGCACCTCGATTTAAGTTCCAATCTGCTAAAAACAAT[C>A]AACAAATCCGCACTTGAAACTAAGACCACCACCAAATTATCTATGTTGGAACTACACGGA-3'
Protein context (NP_619542.1, residues 741-761): LDLSSNLLKT[Ile751=]NKSALETKTT

ClinVar aggregate classification (germline): Benign. Review status: criteria provided, multiple submitters, no conflicts (2 of 4 stars). 2 submissions from 2 submitters: Benign (2). Last evaluated 2024-01-24.

Allele frequency attached by ClinVar (database versions not stated): ESP Exome Variant Server 0.35691; gnomAD exomes 0.38153; TOPMed 0.41295; 1000 Genomes Project 0.54252; gnomAD 0.39193; ExAC 0.44657; 1000 Genomes Project 30x 0.53548.
gnomAD v4.1: 463,524 of 1,208,493 alleles (38%); highest among the groups gnomAD compares: East Asian, 81%; 63,258 homozygotes.

Submissions (2):

Unidad de Genómica Garrahan, Hospital de Pediatría Garrahan
Classification: Benign. Last evaluated: 2024-01-24. Review status: criteria provided, single submitter. Criteria: ACMG Guidelines, 2015. Collection method: clinical testing. Allele origin: germline. Affected: no. Observed: 68 variant alleles.
Comment: This variant is classified as Benign based on local population frequency. This variant was detected in 72% of patients studied by a panel of primary immunodeficiencies. Number of patients: 68. Only high quality variants are reported.

Mayo Clinic Laboratories, Mayo Clinic
Classification: Benign. Last evaluated: 2022-09-06. Review status: criteria provided, single submitter. Criteria: ACMG Guidelines, 2015. Collection method: clinical testing. Allele origin: germline. Observed: 2 variant alleles.